The following is an entry in ClinVar:

ClinVar aggregate classification (germline): Uncertain significance (1 of 4 stars; one submission).

Submission:

Labcorp Genetics (formerly Invitae), Labcorp
Classification: Uncertain significance. Last evaluated: 2025-03-13. Review status: criteria provided, single submitter. Criteria: Invitae Variant Classification Sherloc (09022015). Collection method: clinical testing. Allele origin: germline.
Comment: This sequence change replaces arginine, which is basic and polar, with cysteine, which is neutral and slightly polar, at codon 747 of the CLCN2 protein (p.Arg747Cys). This variant is not present in population databases (gnomAD no frequency). This variant has not been reported in the literature in individuals affected with CLCN2-related conditions. Invitae Evidence Modeling of protein sequence and biophysical properties (such as structural, functional, and spatial information, amino acid conservation, physicochemical variation, residue mobility, and thermodynamic stability) indicates that this missense variant is not expected to disrupt CLCN2 protein function with a negative predictive value of 80%. In summary, the available evidence is currently insufficient to determine the role of this variant in disease. Therefore, it has been classified as a Variant of Uncertain Significance.

NM_004366.6(CLCN2):c.2239C>T (p.Arg747Cys)

Gene: CLCN2 (chloride voltage-gated channel 2; minus strand). Cytogenetic location: 3q27.1.
Variant type: single nucleotide variant.
Coding change: c.2239C>T on transcript NM_004366.6 (MANE Select); coding-DNA position 2239, C replaced by T.
Protein change: p.Arg747Cys; replaces arginine 747 with cysteine.
Molecular consequence: missense variant.
Genome position (GRCh38, 1-based): chr3:184,352,475, G>A on the plus strand (C>T on the coding strand, the complement: CLCN2 is on the minus strand). VCF-style: chr3-184352475-G-A. GRCh37 (hg19) VCF-style: chr3-184070263-G-A.
Other names: c.2188C>T, p.Arg730Cys (NM_001171087.3); c.2107C>T, p.Arg703Cys (NM_001171088.3); c.2239C>T, p.Arg747Cys (NM_001171089.3); short protein forms R703C, R730C, R747C.
Identifiers: ClinVar variation 4749291 (VCV004749291.1).